The following is an entry in ClinVar:

NM_001197104.2(KMT2A):c.877G>A (p.Gly293Arg)

Gene: KMT2A (lysine methyltransferase 2A; plus strand). Cytogenetic location: 11q23.3.
Variant type: single nucleotide variant.
Coding change: c.877G>A on transcript NM_001197104.2 (MANE Select); coding-DNA position 877, G replaced by A.
Protein change: p.Gly293Arg; replaces glycine 293 with arginine.
Molecular consequence: missense variant.
Genome position (GRCh38, 1-based): chr11:118,472,036, G>A. VCF-style: chr11-118472036-G-A. GRCh37 (hg19) VCF-style: chr11-118342751-G-A.
Other names: c.976G>A, p.Gly326Arg (NM_001412597.1); c.877G>A, p.Gly293Arg (NM_005933.4); short protein forms G293R, G326R.
Identifiers: ClinVar variation 1717967 (VCV001717967.6), dbSNP rs2496793987, ClinGen allele CA382808280.

ClinVar aggregate classification (germline): Uncertain significance (1 of 4 stars; one submission).

Allele frequency attached by ClinVar (database versions not stated): gnomAD exomes below 0.00001.

Submission:

Labcorp Genetics (formerly Invitae), Labcorp
Classification: Uncertain significance. Last evaluated: 2022-10-31. Review status: criteria provided, single submitter. Criteria: Invitae Variant Classification Sherloc (09022015). Collection method: clinical testing. Allele origin: germline.
Comment: This sequence change replaces glycine, which is neutral and non-polar, with arginine, which is basic and polar, at codon 293 of the KMT2A protein (p.Gly293Arg). This variant is not present in population databases (gnomAD no frequency). This variant has not been reported in the literature in individuals affected with KMT2A-related conditions. Advanced modeling of protein sequence and biophysical properties (such as structural, functional, and spatial information, amino acid conservation, physicochemical variation, residue mobility, and thermodynamic stability) has been performed at Invitae for this missense variant, however the output from this modeling did not meet the statistical confidence thresholds required to predict the impact of this variant on KMT2A protein function. In summary, the available evidence is currently insufficient to determine the role of this variant in disease. Therefore, it has been classified as a Variant of Uncertain Significance.